The following is an entry in ClinVar:

NM_001029.5(RPS26):c.19_25dup (p.Gly9fs)

Gene: RPS26 (ribosomal protein S26; plus strand). Cytogenetic location: 12q13.2.
Variant type: Duplication.
Coding change: c.19_25dup on transcript NM_001029.5 (MANE Select); coding-DNA positions 19 to 25, 7 bases duplicated (AACAATG; older notation c.19_25dupAACAATG).
Protein change: p.Gly9fs; shifts the reading frame from glycine 9.
Molecular consequence: frameshift variant.
Genome position (GRCh38, 1-based): chr12:56,042,440-56,042,446, AACAATG duplicated; duplicating any 7 consecutive bases within chr12:56,042,439-56,042,446 gives the same sequence; the c. name uses the placement nearest the transcript's 3' end. VCF-style (leftmost placement, unchanged base first): chr12-56042438-G-GGAACAAT. GRCh37 (hg19) VCF-style: chr12-56436222-G-GGAACAAT.
Other names: short protein forms G9fs.
Identifiers: ClinVar variation 3232371 (VCV003232371.1), dbSNP rs2540722766, ClinGen allele CA2825002091.

ClinVar aggregate classification (germline): Pathogenic (1 of 4 stars; one submission).

Conditions:
Diamond-Blackfan anemia. Also called: Blackfan Diamond syndrome; Aregenerative anemia chronic congenital; Red cell aplasia, pure hereditary; Congenital hypoplastic anemia; Aase syndrome. Identifiers: Orphanet 124, MedGen C1260899, MeSH D029503, MONDO:0015253, HP:0004810.

Submission:

Ambry Genetics
Classification: Pathogenic for Diamond-Blackfan anemia. Last evaluated: 2023-12-07. Review status: criteria provided, single submitter. Criteria: Ambry Variant Classification Scheme 2023. Collection method: clinical testing. Allele origin: germline.
Comment: The c.19_25dupAACAATG pathogenic mutation, located in coding exon 2 of the RPS26 gene, results from a duplication of AACAATG at nucleotide position 19, causing a translational frameshift with a predicted alternate stop codon (p.G9Efs*19). This alteration is expected to result in loss of function by premature protein truncation or nonsense-mediated mRNA decay. As such, this alteration is interpreted as a disease-causing mutation.